The following continues an entry in ClinVar:

NM_007194.4(CHEK2):c.846+4_846+7del

Gene: CHEK2. ClinVar aggregate classification (germline): Pathogenic/Likely pathogenic. Pathogenic (10); Likely pathogenic (17).

Submissions 23 to 32 of 32:

Sema4
Classification: Likely pathogenic for Hereditary cancer-predisposing syndrome. Last evaluated: 2022-01-24. Review status: criteria provided, single submitter. Criteria: Sema4 Curation Guidelines. Collection method: curation. Allele origin: germline.
Comment: The CHEK2 c.846+4_846+7del variant has been reported in heterozygosity in at least eight individuals with hereditary breast and/or ovarian cancer (PMID: 31050813, 30264118, 32906215, 22114986). Functional studies indicate that this variant is expected to result in the skipping of exon 7 or exons 7-8 (PMID: 31843900). Functional studies have also shown that this variant significantly reduces kinase activity in vitro (PMID: 31050813). This variant is also known as c.846+4delAGTA in the literature. This variant was observed in 6/126368 chromosomes in the Non-Finnish European subpopulation according to the Genome Aggregation Database (PMID: 32461654). This variant has been reported in ClinVar (Variation ID: 21665210). Based on the current evidence available, this variant is interpreted as likely pathogenic.

Human Genome Sequencing Center Clinical Lab, Baylor College of Medicine
Classification: Likely pathogenic for hereditary breast and ovarian cancer syndrome. Last evaluated: 2020-12-10. Review status: criteria provided, single submitter. Criteria: ACMG Guidelines, 2015. Collection method: clinical testing. Allele origin: unknown.
Comment: The c.846+4_846+7del variant in intron 7 of the CHEK2 gene has been reported in more than 10 individuals affected with breast cancer (PMID: 22114986, 30264118, 31050813). It was shown to produce two mutant transcripts in an RNA study (PMID: 31050813). One mutant transcript results in out-of-frame skipping of exons 7 and 8, creating a frameshift and a premature translation stop signal expected to result in an absent or non-functional protein product. The other mutant transcript results in an in-frame skipping of exon 7, creating a partial deletion of the kinase domain and significantly decreased kinase activity (PMID: 31050813). This variant has been identified in 8/278088 alleles in the gnomAD population database. Therefore, the c.846+4_846+7del variant in the CHEK2 gene is classified as Likely Pathogenic.

Institute of Medical Genetics and Applied Genomics, University Hospital Tübingen
Classification: Likely pathogenic. Last evaluated: 2020-10-23. Review status: criteria provided, single submitter. Criteria: ACMG Guidelines, 2015. Collection method: clinical testing. Allele origin: germline. Inheritance: Unknown mechanism. Affected: yes.

Department of Pathology and Laboratory Medicine, Sinai Health System
Classification: Likely pathogenic for hereditary nonpolyposis colon cancer. Last evaluated: 2020-05-08. Review status: criteria provided, single submitter. Criteria: ACMG Guidelines, 2015. Collection method: clinical testing. Allele origin: germline.

Juno Genomics, Hangzhou Juno Genomics, Inc
Classification: Likely pathogenic for CHEK2-related cancer predisposition. Review status: criteria provided, single submitter. Criteria: ACMG Guidelines, 2015. Collection method: clinical testing. Allele origin: germline.
Comment: Absent from controls (or at extremely low frequency if recessive) in Genome Aggregation Database.;Null variant in a gene where loss of function (LOF) is a known mechanism of disease.;The prevalence of the variant in affected individuals is significantly increased compared to the prevalence in controls.

CZECANCA consortium
Classification: Pathogenic for Endometrial carcinoma. Last evaluated: 2023-02-21. Review status: no assertion criteria provided. Collection method: clinical testing. Allele origin: germline. Affected: yes. Observed: 3 variant alleles. Not counted in ClinVar's aggregate classification.

BRCAlab, Lund University
Classification: Likely pathogenic for Familial cancer of breast. Last evaluated: 2022-08-26. Review status: no assertion criteria provided. Collection method: clinical testing. Allele origin: germline. Affected: yes. Not counted in ClinVar's aggregate classification.

CZECANCA consortium
Classification: Pathogenic for Carcinoma of pancreas. Last evaluated: 2021-03-04. Review status: no assertion criteria provided. Collection method: case-control. Allele origin: germline. Affected: yes. Observed: 1 variant allele. Not counted in ClinVar's aggregate classification.

King Laboratory, University of Washington
Classification: Pathogenic for Familial cancer of breast; Li-Fraumeni syndrome 2. Last evaluated: 2019-09-01. Review status: no assertion criteria provided. Collection method: research. Allele origin: germline. Affected: yes. Not counted in ClinVar's aggregate classification.
Comment: Transcript analysis by cBROCA

Genetic Services Laboratory, University of Chicago
Classification: Uncertain significance. Last evaluated: 2016-08-12. Review status: flagged submission. Criteria: ACMG Guidelines, 2015. Collection method: clinical testing. Allele origin: germline. Affected: no. Not counted in ClinVar's aggregate classification.
ClinVar note: Reason: Outlier claim with insufficient supporting evidence

Literature cited by the submitters: PubMed 22114986 (cited by 8 submitters); PubMed 32906215 (cited by 6 submitters); PubMed 17576681 (cited by Labcorp Genetics (formerly Invitae), Labcorp); PubMed 9536098 (cited by Labcorp Genetics (formerly Invitae), Labcorp); PubMed 30264118 (cited by 7 submitters); PubMed 31843900 (cited by 7 submitters); PubMed 29785007 (cited by Labcorp Genetics (formerly Invitae), Labcorp); PubMed 31422574 (cited by Quest Diagnostics Nichols Institute San Juan Capistrano and Women's Health and Genetics/Laboratory Corporation of America, LabCorp); PubMed 25186627 (cited by Quest Diagnostics Nichols Institute San Juan Capistrano and Women's Health and Genetics/Laboratory Corporation of America, LabCorp); PubMed 37725924 (cited by 3 submitters); PubMed 37453313 (cited by Quest Diagnostics Nichols Institute San Juan Capistrano); PubMed 35155181 (cited by 3 submitters); PubMed 33050356 (cited by 3 submitters); PubMed 31050813 (cited by 7 submitters); PubMed 36495689 (cited by Quest Diagnostics Nichols Institute San Juan Capistrano); PubMed 38091153 (cited by Quest Diagnostics Nichols Institute San Juan Capistrano); PubMed 36260514 (cited by Color Diagnostics, LLC DBA Color Health); PubMed 25085752 (cited by Myriad Genetics, Inc.).